The following is an entry in ClinVar:

NM_144670.6(A2ML1):c.4129C>A (p.Pro1377Thr)

Gene: A2ML1 (alpha-2-macroglobulin like 1; plus strand). Cytogenetic location: 12p13.31.
Variant type: single nucleotide variant.
Coding change: c.4129C>A on transcript NM_144670.6 (MANE Select); coding-DNA position 4129, C replaced by A.
Protein change: p.Pro1377Thr; replaces proline 1377 with threonine.
Molecular consequence: missense variant.
Genome position (GRCh38, 1-based): chr12:8,868,604, C>A. VCF-style: chr12-8868604-C-A. GRCh37 (hg19) VCF-style: chr12-9021200-C-A.
Other names: c.2656C>A, p.Pro886Thr (NM_001282424.3); short protein forms P886T, P1377T.
Identifiers: ClinVar variation 3289439 (VCV003289439.1).

ClinVar aggregate classification (germline): Uncertain significance (1 of 4 stars; one submission).

gnomAD v4.1: 2 of 1,613,820 alleles (0.00012%); highest among the groups gnomAD compares: Non-Finnish European, 0.00017%; no homozygotes.

Submission:

Ambry Genetics
Classification: Uncertain significance. Last evaluated: 2024-05-11. Review status: criteria provided, single submitter. Criteria: Ambry Variant Classification Scheme 2023. Collection method: clinical testing. Allele origin: germline.
Comment: The p.P1377T variant (also known as c.4129C>A), located in coding exon 32 of the A2ML1 gene, results from a C to A substitution at nucleotide position 4129. The proline at codon 1377 is replaced by threonine, an amino acid with highly similar properties. This amino acid position is conserved. In addition, this alteration is predicted to be tolerated by in silico analysis. Based on the available evidence, the clinical significance of this variant remains unclear.